The following is an entry in ClinVar:

ClinVar aggregate classification (germline): Conflicting classifications of pathogenicity. Review status: criteria provided, conflicting classifications (1 of 4 stars). 3 submissions from 3 submitters: Uncertain significance (1); Benign (1). 1 of the submissions does not count toward it. Last evaluated 2024-02-26.

Allele frequency attached by ClinVar (database versions not stated): ExAC 0.00008; gnomAD exomes 0.00007; TOPMed 0.00017; 1000 Genomes Project 30x 0.00031; gnomAD 0.00014 and 0.00016; 1000 Genomes Project 0.00040; ESP Exome Variant Server 0.00015.
gnomAD v4.1: 125 of 1,614,158 alleles (0.0077%); highest among the groups gnomAD compares: Middle Eastern, 0.049%; no homozygotes.

Submissions (3):

Labcorp Genetics (formerly Invitae), Labcorp
Classification: Benign. Last evaluated: 2024-02-26. Review status: criteria provided, single submitter. Criteria: Invitae Variant Classification Sherloc (09022015). Collection method: clinical testing. Allele origin: germline.

Breakthrough Genomics
Classification: Uncertain significance. Review status: criteria provided, single submitter. Criteria: ACMG Guidelines, 2015. Collection method: not provided. Allele origin: germline. Inheritance: Autosomal recessive inheritance. Affected: yes.

ITMI
No classification provided. Condition: AllHighlyPenetrant. Last evaluated: 2013-09-19. Review status: no classification provided. Collection method: reference population. Allele origin: germline. Not counted in ClinVar's aggregate classification.
Comment: Please see associated publication for description of ethnicities

Literature cited by the submitters: PubMed 24728327 (cited by ITMI).

NM_170606.3(KMT2C):c.5792C>T (p.Ser1931Leu)

Gene: KMT2C (lysine methyltransferase 2C; minus strand). Cytogenetic location: 7q36.1.
Variant type: single nucleotide variant.
Coding change: c.5792C>T on transcript NM_170606.3 (MANE Select); coding-DNA position 5792, C replaced by T.
Protein change: p.Ser1931Leu; replaces serine 1931 with leucine.
Molecular consequence: missense variant.
Genome position (GRCh38, 1-based): chr7:152,182,068, G>A on the plus strand (C>T on the coding strand, the complement: KMT2C is on the minus strand). VCF-style: chr7-152182068-G-A. GRCh37 (hg19) VCF-style: chr7-151879153-G-A.
Other names: short protein forms S1931L.
Identifiers: ClinVar variation 134758 (VCV000134758.10), dbSNP rs200297010, ClinGen allele CA160687.